The following is an entry in ClinVar:

NM_020937.4(FANCM):c.2383A>G (p.Ile795Val)

Gene: FANCM (FA complementation group M; plus strand). Cytogenetic location: 14q21.2.
Variant type: single nucleotide variant.
Coding change: c.2383A>G on transcript NM_020937.4 (MANE Select); coding-DNA position 2383, A replaced by G.
Protein change: p.Ile795Val; replaces isoleucine 795 with valine.
Molecular consequence: missense variant.
Genome position (GRCh38, 1-based): chr14:45,175,137, A>G. VCF-style: chr14-45175137-A-G. GRCh37 (hg19) VCF-style: chr14-45644340-A-G.
Other names: c.2305A>G, p.Ile769Val (NM_001308133.2); short protein forms I769V, I795V.
Identifiers: ClinVar variation 3848640 (VCV003848640.1).

ClinVar aggregate classification (germline): Uncertain significance (1 of 4 stars; one submission).

Conditions:
Inborn genetic diseases. Identifiers: MedGen C0950123, MeSH D030342.

gnomAD v4.1: 1 of 1,612,256 alleles (0.000062%); highest among the groups gnomAD compares: Non-Finnish European, 0.000085%; no homozygotes.

Submission:

Ambry Genetics
Classification: Uncertain significance for Inborn genetic diseases. Last evaluated: 2025-01-17. Review status: criteria provided, single submitter. Criteria: Ambry Variant Classification Scheme 2023. Collection method: clinical testing. Allele origin: germline.
Comment: The p.I795V variant (also known as c.2383A>G), located in coding exon 14 of the FANCM gene, results from an A to G substitution at nucleotide position 2383. The isoleucine at codon 795 is replaced by valine, an amino acid with highly similar properties. This amino acid position is conserved. In addition, this alteration is predicted to be tolerated by in silico analysis. Based on the available evidence, the clinical significance of this variant remains unclear.